The following is an entry in ClinVar:

ClinVar aggregate classification (germline): Uncertain significance. Review status: criteria provided, single submitter (1 of 4 stars). 2 submissions from 2 submitters: Uncertain significance (1). 1 of the submissions does not count toward it. Last evaluated 2025-11-20.

Conditions:
Ulnar-mammary syndrome (UMS). Also called: PALLISTER ULNAR-MAMMARY SYNDROME; Ulnar-mammary syndrome of Pallister; SCHINZEL SYNDROME. Identifiers: Orphanet 3138, MedGen C1866994, MONDO:0008411, OMIM 181450.
TBX3-related disorder. Also called: TBX3-related condition.

Allele frequency attached by ClinVar (database versions not stated): gnomAD exomes below 0.00001; gnomAD 0.00001; 1000 Genomes Project 30x 0.00031; 1000 Genomes Project 0.00040.
gnomAD v4.1: 3 of 1,576,052 alleles (0.00019%); highest among the groups gnomAD compares: African/African-American, 0.004%; no homozygotes.

Submissions (2):

Labcorp Genetics (formerly Invitae), Labcorp
Classification: Uncertain significance for Ulnar-mammary syndrome. Last evaluated: 2025-11-20. Review status: criteria provided, single submitter. Criteria: Invitae Variant Classification Sherloc (09022015). Collection method: clinical testing. Allele origin: germline.
Comment: This sequence change replaces proline, which is neutral and non-polar, with threonine, which is neutral and polar, at codon 521 of the TBX3 protein (p.Pro521Thr). This variant is not present in population databases (gnomAD no frequency). This variant has not been reported in the literature in individuals affected with TBX3-related conditions. ClinVar contains an entry for this variant (Variation ID: 2195137). An algorithm developed to predict the effect of missense changes on protein structure and function (PolyPhen-2) suggests that this variant is likely to be disruptive. In summary, the available evidence is currently insufficient to determine the role of this variant in disease. Therefore, it has been classified as a Variant of Uncertain Significance.

PreventionGenetics, part of Exact Sciences
Classification: Uncertain significance for TBX3-related condition. Last evaluated: 2024-01-06. Review status: no assertion criteria provided. Collection method: clinical testing. Allele origin: germline. Not counted in ClinVar's aggregate classification.
Comment: The TBX3 c.1621C>A variant is predicted to result in the amino acid substitution p.Pro541Thr. To our knowledge, this variant has not been reported in the literature or in a large population database, indicating this variant is rare. At this time, the clinical significance of this variant is uncertain due to the absence of conclusive functional and genetic evidence.

NM_005996.4(TBX3):c.1561C>A (p.Pro521Thr)

Gene: TBX3 (T-box transcription factor 3; minus strand). Cytogenetic location: 12q24.21.
Variant type: single nucleotide variant.
Coding change: c.1561C>A on transcript NM_005996.4 (MANE Select); coding-DNA position 1561, C replaced by A.
Protein change: p.Pro521Thr; replaces proline 521 with threonine.
Molecular consequence: missense variant.
Genome position (GRCh38, 1-based): chr12:114,674,314, G>T on the plus strand (C>A on the coding strand, the complement: TBX3 is on the minus strand). VCF-style: chr12-114674314-G-T. GRCh37 (hg19) VCF-style: chr12-115112119-G-T.
Other names: c.1621C>A (NM_016569.3); c.1621C>A, p.Pro541Thr (NM_016569.4); short protein forms P541T, P521T.
Identifiers: ClinVar variation 2195137 (VCV002195137.5), dbSNP rs539716467, ClinGen allele CA244143357.